The following is an entry in ClinVar:

ClinVar aggregate classification (germline): Uncertain significance (1 of 4 stars; one submission).

Conditions:
Neurodevelopmental disorder with dysmorphic facies and distal limb anomalies. Identifiers: Orphanet 686482, MedGen C4540327, MONDO:0060596, OMIM 617755.

Submission:

Victorian Clinical Genetics Services, Murdoch Childrens Research Institute
Classification: Uncertain significance for Neurodevelopmental disorder with dysmorphic facies and distal limb anomalies. Last evaluated: 2022-09-02. Review status: criteria provided, single submitter. Criteria: ACMG Guidelines, 2015. Collection method: clinical testing. Allele origin: germline. Inheritance: Autosomal dominant inheritance. Affected: yes.
Comment: Based on the classification scheme VCGS_Germline_v1.3.4, this variant is classified as VUS-3B. Following criteria are met: 0102 - Loss of function is a known mechanism of disease in this gene and is associated with neurodevelopmental disorder with dysmorphic facies and distal limb anomalies (MIM#617755). (I) 0107 - This gene is associated with autosomal dominant disease. (I) 0200 - Variant is predicted to result in a missense amino acid change from lysine to arginine. (I) 0251 - This variant is heterozygous. (I) 0301 - Variant is absent from gnomAD (both v2 and v3). (SP) 0502 - Missense variant with conflicting in silico predictions and uninformative conservation. (I) 0604 - Variant is not located in an established domain, motif, hotspot or informative constraint region. (I) 0705 - No comparable missense variants have previous evidence for pathogenicity. (I) 0807 - This variant has no previous evidence of pathogenicity. (I) 0905 - No published segregation evidence has been identified for this variant. (I) 1007 - No published functional evidence has been identified for this variant. (I) 1208 - Inheritance information for this variant is not currently available in this individual. (I) Legend: (SP) - Supporting pathogenic, (I) - Information, (SB) - Supporting benign

NM_182641.4(BPTF):c.8201A>G (p.Lys2734Arg)

Gene: BPTF (bromodomain PHD finger transcription factor; plus strand). Cytogenetic location: 17q24.2.
Variant type: single nucleotide variant.
Coding change: c.8201A>G on transcript NM_182641.4 (MANE Select); coding-DNA position 8201, A replaced by G.
Protein change: p.Lys2734Arg; replaces lysine 2734 with arginine.
Molecular consequence: missense variant.
Genome position (GRCh38, 1-based): chr17:67,959,815, A>G. VCF-style: chr17-67959815-A-G. GRCh37 (hg19) VCF-style: chr17-65955931-A-G.
Other names: c.8150A>G, p.Lys2717Arg (NM_004459.7); short protein forms K2717R, K2734R.
Identifiers: ClinVar variation 1805920 (VCV001805920.1), dbSNP rs2513119035, ClinGen allele CA400730698.